The following is an entry in ClinVar:

ClinVar aggregate classification (germline): Likely benign (0 of 4 stars; one submission).

Conditions:
UNC79-related disorder. Also called: UNC79-related condition.

Allele frequency attached by ClinVar (database versions not stated): gnomAD exomes 0.00005; ExAC 0.00012; TOPMed 0.00034; gnomAD 0.00042; 1000 Genomes Project 30x 0.00109; 1000 Genomes Project 0.00120.
gnomAD v4.1: 78 of 518,770 alleles (0.015%); highest among the groups gnomAD compares: African/African-American, 0.14%; no homozygotes.

Submission:

PreventionGenetics, part of Exact Sciences
Classification: Likely benign for UNC79-related condition. Last evaluated: 2023-05-22. Review status: no assertion criteria provided. Collection method: clinical testing. Allele origin: germline.
Comment: This variant is classified as likely benign based on ACMG/AMP sequence variant interpretation guidelines (Richards et al. 2015 PMID: 25741868, with internal and published modifications).

NM_001395159.1(UNC79):c.4526C>G (p.Thr1509Ser)

Gene: UNC79 (unc-79 homolog, NALCN channel complex subunit; plus strand). Cytogenetic location: 14q32.12.
Variant type: single nucleotide variant.
Coding change: c.4526C>G on transcript NM_001395159.1 (MANE Select); coding-DNA position 4526, C replaced by G.
Protein change: p.Thr1509Ser; replaces threonine 1509 with serine.
Molecular consequence: missense variant. On other transcripts: intron variant (1).
Genome position (GRCh38, 1-based): chr14:93,620,964, C>G. VCF-style: chr14-93620964-C-G. GRCh37 (hg19) VCF-style: chr14-94087310-C-G.
Other names: c.4460C>G, p.Thr1487Ser (NM_001346218.2); c.3857-657C>G (NM_020818.5); short protein forms T1487S, T1509S.
Identifiers: ClinVar variation 3036008 (VCV003036008.2), dbSNP rs532984210, ClinGen allele CA7322091.